The following is an entry in ClinVar:

NM_144687.4(NLRP12):c.2135A>G (p.Asn712Ser)

Gene: NLRP12 (NLR family pyrin domain containing 12; minus strand). Cytogenetic location: 19q13.42.
Variant type: single nucleotide variant.
Coding change: c.2135A>G on transcript NM_144687.4 (MANE Select); coding-DNA position 2135, A replaced by G.
Protein change: p.Asn712Ser; replaces asparagine 712 with serine.
Molecular consequence: missense variant.
Genome position (GRCh38, 1-based): chr19:53,807,603, T>C on the plus strand (A>G on the coding strand, the complement: NLRP12 is on the minus strand). VCF-style: chr19-53807603-T-C. GRCh37 (hg19) VCF-style: chr19-54310857-T-C.
Other names: c.2135A>G (NM_144687.2); c.2138A>G, p.Asn713Ser (NM_001277126.2); c.2135A>G, p.Asn712Ser (NM_001277129.1); short protein forms N712S, N713S.
Identifiers: ClinVar variation 1417868 (VCV001417868.10), dbSNP rs138187543, ClinGen allele CA9639216.
Genomic context (GRCh38, chr19:53,807,603, plus strand): 5'-AGCTTCACCCCCCGGCTGCCCAGGGCATTTCGGTACAGAGACAGCTCTATCAGGTTTGGA[T>C]TGGTGCACAGGGCCGCTGCCAGATGTTCACTGTAGGCGTCCAGCAGAACGGTCCTCTCTG-3'
Protein context (NP_653288.1, residues 702-722): SEHLAAALCT[Asn712Ser]PNLIELSLYR

ClinVar aggregate classification (germline): Uncertain significance. Review status: criteria provided, multiple submitters, no conflicts (2 of 4 stars). 2 submissions from 2 submitters: Uncertain significance (2). Last evaluated 2025-12-10.

Conditions:
Inborn genetic diseases. Identifiers: MedGen C0950123, MeSH D030342.
Familial cold autoinflammatory syndrome 2 (FCAS2). Identifiers: Orphanet 247868, MedGen C2673198, MONDO:0012724, OMIM 611762.

Allele frequency attached by ClinVar (database versions not stated): gnomAD exomes 0.00001 and 0.00005; ExAC 0.00004; gnomAD 0.00016; 1000 Genomes Project 0.00020; ESP Exome Variant Server 0.00023; TOPMed 0.00023; 1000 Genomes Project 30x 0.00031.
gnomAD v4.1: 44 of 1,614,102 alleles (0.0027%); highest among the groups gnomAD compares: African/African-American, 0.041%; no homozygotes.

Submissions (2):

Labcorp Genetics (formerly Invitae), Labcorp
Classification: Uncertain significance for Familial cold autoinflammatory syndrome 2. Last evaluated: 2025-12-10. Review status: criteria provided, single submitter. Criteria: Invitae Variant Classification Sherloc (09022015). Collection method: clinical testing. Allele origin: germline.
Comment: This sequence change replaces asparagine, which is neutral and polar, with serine, which is neutral and polar, at codon 712 of the NLRP12 protein (p.Asn712Ser). This variant is present in population databases (rs138187543, gnomAD 0.05%), and has an allele count higher than expected for a pathogenic variant. This variant has not been reported in the literature in individuals affected with NLRP12-related conditions. ClinVar contains an entry for this variant (Variation ID: 1417868). An algorithm developed to predict the effect of missense changes on protein structure and function outputs the following: PolyPhen-2: "Benign". The serine amino acid residue is found in multiple mammalian species, which suggests that this missense change does not adversely affect protein function. In summary, the available evidence is currently insufficient to determine the role of this variant in disease. Therefore, it has been classified as a Variant of Uncertain Significance.

Ambry Genetics
Classification: Uncertain significance for Inborn genetic diseases. Last evaluated: 2024-10-08. Review status: criteria provided, single submitter. Criteria: Ambry Variant Classification Scheme 2023. Collection method: clinical testing. Allele origin: germline.